The following is an entry in ClinVar:

ClinVar aggregate classification (germline): Likely benign. Review status: criteria provided, multiple submitters, no conflicts (2 of 4 stars). 2 submissions from 2 submitters: Likely benign (2). Last evaluated 2025-12-29.

Conditions:
Familial hemiplegic migraine. Identifiers: MedGen C0338484, MONDO:0000700.

Allele frequency attached by ClinVar (database versions not stated): gnomAD exomes 0.00002 and 0.00006; ExAC 0.00007; gnomAD 0.00009 and 0.00010; TOPMed 0.00012; ESP Exome Variant Server 0.00015; 1000 Genomes Project 0.00020; 1000 Genomes Project 30x 0.00031.
gnomAD v4.1: 39 of 1,614,142 alleles (0.0024%); highest among the groups gnomAD compares: African/African-American, 0.029%; no homozygotes.

Submissions (2):

Labcorp Genetics (formerly Invitae), Labcorp
Classification: Likely benign for Familial hemiplegic migraine. Last evaluated: 2025-12-29. Review status: criteria provided, single submitter. Criteria: Invitae Variant Classification Sherloc (09022015). Collection method: clinical testing. Allele origin: germline.

GeneDx
Classification: Likely benign. Last evaluated: 2016-03-30. Review status: criteria provided, single submitter. Criteria: GeneDx Variant Classification (06012015). Collection method: clinical testing. Allele origin: germline. Affected: yes.
Comment: This variant is considered likely benign or benign based on one or more of the following criteria: it is a conservative change, it occurs at a poorly conserved position in the protein, it is predicted to be benign by multiple in silico algorithms, and/or has population frequency not consistent with disease.

NM_000702.4(ATP1A2):c.2440-14C>T

Gene: ATP1A2 (ATPase Na+/K+ transporting subunit alpha 2; plus strand). Cytogenetic location: 1q23.2.
Variant type: single nucleotide variant.
Coding change: c.2440-14C>T on transcript NM_000702.4 (MANE Select); 14 bases into the intron before coding-DNA position 2440, C replaced by T.
Molecular consequence: intron variant.
Genome position (GRCh38, 1-based): chr1:160,136,233, C>T. VCF-style: chr1-160136233-C-T. GRCh37 (hg19) VCF-style: chr1-160106023-C-T.
Identifiers: ClinVar variation 384921 (VCV000384921.10), dbSNP rs200630442, ClinGen allele CA1194754.